The following is an entry in ClinVar:

ClinVar aggregate classification (germline): Benign. Review status: criteria provided, multiple submitters, no conflicts (2 of 4 stars). 2 submissions from 2 submitters: Benign (2). Last evaluated 2018-07-13.

Allele frequency attached by ClinVar (database versions not stated): gnomAD exomes 0.41631 and 0.45212; ExAC 0.45179; 1000 Genomes Project 0.52017; gnomAD 0.52090 and 0.53090; 1000 Genomes Project 30x 0.52873; ESP Exome Variant Server 0.52968; TOPMed 0.54621.
gnomAD v4.1: 687,439 of 1,611,638 alleles (43%); highest among the groups gnomAD compares: African/African-American, 79%; 153,982 homozygotes.

Submissions (2):

GeneDx
Classification: Benign. Last evaluated: 2018-07-13. Review status: criteria provided, single submitter. Criteria: GeneDx Variant Classification Process June 2021. Collection method: clinical testing. Allele origin: germline. Affected: yes.
Comment: This variant is associated with the following publications: (PMID: 29632382)

Breakthrough Genomics
Classification: Benign. Review status: criteria provided, single submitter. Criteria: ACMG Guidelines, 2015. Collection method: not provided. Allele origin: germline. Inheritance: Unknown mechanism. Affected: yes.

NM_015113.4(ZZEF1):c.6040A>G (p.Ile2014Val)

Gene: ZZEF1 (zinc finger ZZ-type and EF-hand domain containing 1; minus strand). Cytogenetic location: 17p13.2.
Variant type: single nucleotide variant.
Coding change: c.6040A>G on transcript NM_015113.4 (MANE Select); coding-DNA position 6040, A replaced by G.
Protein change: p.Ile2014Val; replaces isoleucine 2014 with valine.
Molecular consequence: missense variant.
Genome position (GRCh38, 1-based): chr17:4,044,350, T>C on the plus strand (A>G on the coding strand, the complement: ZZEF1 is on the minus strand). VCF-style: chr17-4044350-T-C. GRCh37 (hg19) VCF-style: chr17-3947644-T-C.
Other names: short protein forms I2014V.
Identifiers: ClinVar variation 1251595 (VCV001251595.3), dbSNP rs781831, ClinGen allele CA8298665.